The following is an entry in ClinVar:

ClinVar aggregate classification (germline): Uncertain significance. Review status: criteria provided, multiple submitters, no conflicts (2 of 4 stars). 2 submissions from 2 submitters: Uncertain significance (2). Last evaluated 2024-03-27.

Allele frequency attached by ClinVar (database versions not stated): gnomAD 0.00001; gnomAD exomes 0.00001; ExAC 0.00002; TOPMed 0.00002.
gnomAD v4.1: 24 of 1,614,100 alleles (0.0015%); highest among the groups gnomAD compares: Admixed American, 0.0083%; no homozygotes.

Submissions (2):

Blueprint Genetics
Classification: Uncertain significance. Last evaluated: 2024-03-27. Review status: criteria provided, single submitter. Criteria: ACMG Guidelines, 2015. Collection method: clinical testing. Allele origin: germline.

Labcorp Genetics (formerly Invitae), Labcorp
Classification: Uncertain significance. Last evaluated: 2023-12-23. Review status: criteria provided, single submitter. Criteria: Invitae Variant Classification Sherloc (09022015). Collection method: clinical testing. Allele origin: germline.
Comment: This sequence change replaces proline, which is neutral and non-polar, with leucine, which is neutral and non-polar, at codon 243 of the TUBB1 protein (p.Pro243Leu). This variant is present in population databases (rs746545987, gnomAD 0.006%). This variant has not been reported in the literature in individuals affected with TUBB1-related conditions. Advanced modeling of protein sequence and biophysical properties (such as structural, functional, and spatial information, amino acid conservation, physicochemical variation, residue mobility, and thermodynamic stability) performed at Invitae indicates that this missense variant is expected to disrupt TUBB1 protein function with a positive predictive value of 80%. In summary, the available evidence is currently insufficient to determine the role of this variant in disease. Therefore, it has been classified as a Variant of Uncertain Significance.

NM_030773.4(TUBB1):c.728C>T (p.Pro243Leu)

Gene: TUBB1 (tubulin beta 1 class VI; plus strand). Cytogenetic location: 20q13.32.
Variant type: single nucleotide variant.
Coding change: c.728C>T on transcript NM_030773.4 (MANE Select); coding-DNA position 728, C replaced by T.
Protein change: p.Pro243Leu; replaces proline 243 with leucine.
Molecular consequence: missense variant.
Genome position (GRCh38, 1-based): chr20:59,024,155, C>T. VCF-style: chr20-59024155-C-T. GRCh37 (hg19) VCF-style: chr20-57599210-C-T.
Other names: short protein forms P243L.
Identifiers: ClinVar variation 2888364 (VCV002888364.4), dbSNP rs746545987, ClinGen allele CA9928571.